The following is an entry in ClinVar:

ClinVar aggregate classification (germline): Uncertain significance (1 of 4 stars; one submission).

Conditions:
Familial thoracic aortic aneurysm and aortic dissection (TAAD). Also called: Thoracic aortic aneurysms and dissections. Identifiers: Orphanet 91387, MedGen C4707243, MONDO:0019625.

Submission:

Ambry Genetics
Classification: Uncertain significance for Familial thoracic aortic aneurysm and aortic dissection. Last evaluated: 2017-04-10. Review status: criteria provided, single submitter. Criteria: Ambry Variant Classification Scheme 2023. Collection method: clinical testing. Allele origin: germline.
Comment: The p.H631Y variant (also known as c.1891C>T), located in coding exon 16 of the PRKG1 gene, results from a C to T substitution at nucleotide position 1891. The histidine at codon 631 is replaced by tyrosine, an amino acid with similar properties. This amino acid position is highly conserved in available vertebrate species. In addition, the in silico prediction for this alteration is inconclusive. Since supporting evidence is limited at this time, the clinical significance of this alteration remains unclear.

NM_006258.4(PRKG1):c.1891C>T (p.His631Tyr)

Gene: PRKG1 (protein kinase cGMP-dependent 1; plus strand). Cytogenetic location: 10q21.1.
Variant type: single nucleotide variant.
Coding change: c.1891C>T on transcript NM_006258.4 (MANE Select); coding-DNA position 1891, C replaced by T.
Protein change: p.His631Tyr; replaces histidine 631 with tyrosine.
Molecular consequence: missense variant.
Genome position (GRCh38, 1-based): chr10:52,288,989, C>T. VCF-style: chr10-52288989-C-T. GRCh37 (hg19) VCF-style: chr10-54048749-C-T.
Other names: c.1891C>T, p.His631Tyr (LRG_1135t1); c.1846C>T, p.His616Tyr (LRG_1135t2, NM_001098512.3); short protein forms H616Y, H631Y.
Identifiers: ClinVar variation 520145 (VCV000520145.5), dbSNP rs1554824244, ClinGen allele CA376536538.